The following is an entry in ClinVar:

ClinVar aggregate classification (germline): Benign/Likely benign. Review status: criteria provided, multiple submitters, no conflicts (2 of 4 stars). 3 submissions from 3 submitters: Benign (1); Likely benign (2). Last evaluated 2025-05-30.

Conditions:
Hereditary cancer-predisposing syndrome. Also called: Tumor predisposition; Neoplastic Syndromes, Hereditary; Hereditary Cancer Syndrome; Hereditary neoplastic syndrome. Identifiers: Orphanet 140162, MedGen C0027672, MeSH D009386, MONDO:0015356.
Tuberous sclerosis 2 (TSC2). Identifiers: Orphanet 805, MedGen C1860707, MONDO:0013199, OMIM 613254.

Allele frequency attached by ClinVar (database versions not stated): gnomAD exomes below 0.00001.
gnomAD v4.1: 1 of 1,612,990 alleles (0.000062%); highest among the groups gnomAD compares: Non-Finnish European, 0.000085%; no homozygotes.

Submissions (3):

Myriad Genetics, Inc.
Classification: Benign for Tuberous sclerosis 2. Last evaluated: 2025-05-30. Review status: criteria provided, single submitter. Criteria: Myriad Autosomal Dominant, Autosomal Recessive and X-Linked Classification Criteria (2023). Collection method: clinical testing. Allele origin: unknown.
Comment: This variant is considered benign. This variant is a silent/synonymous amino acid change and it is not expected to impact splicing.

Labcorp Genetics (formerly Invitae), Labcorp
Classification: Likely benign for Tuberous sclerosis 2. Last evaluated: 2025-03-03. Review status: criteria provided, single submitter. Criteria: Invitae Variant Classification Sherloc (09022015). Collection method: clinical testing. Allele origin: germline.

Ambry Genetics
Classification: Likely benign for Hereditary cancer-predisposing syndrome. Last evaluated: 2023-07-30. Review status: criteria provided, single submitter. Criteria: Ambry Variant Classification Scheme 2023. Collection method: clinical testing. Allele origin: germline.

NM_000548.5(TSC2):c.3691C>T (p.Leu1231=)

Gene: TSC2 (TSC complex subunit 2; plus strand). Cytogenetic location: 16p13.3.
Variant type: single nucleotide variant.
Coding change: c.3691C>T on transcript NM_000548.5 (MANE Select); coding-DNA position 3691, C replaced by T.
Protein change: p.Leu1231=; no amino-acid change (leucine 1231 retained).
Molecular consequence: synonymous variant. On other transcripts: non-coding transcript variant (5).
Genome position (GRCh38, 1-based): chr16:2,081,675, C>T. VCF-style: chr16-2081675-C-T. GRCh37 (hg19) VCF-style: chr16-2131676-C-T.
Other names: c.2962C>T, p.Leu988= (NM_001406686.1, NM_001406685.1); c.2959C>T, p.Leu987= (NM_001406687.1, NM_001406688.1, NM_001318831.2); c.2347C>T, p.Leu783= (NM_001406689.1); c.2218C>T, p.Leu740= (NM_001406690.1, NM_001406692.1, NM_001406693.1 and 1 more transcripts); c.2215C>T, p.Leu739= (NM_001406691.1, NM_001406695.1, NM_001406696.1 and 1 more transcripts); c.1957C>T, p.Leu653= (NM_001406698.1); c.3562C>T, p.Leu1188= (NM_021055.3, NM_001363528.2, NM_001370405.1); c.3541C>T, p.Leu1181= (NM_001406676.1); and 18 more.
Identifiers: ClinVar variation 2624598 (VCV002624598.6), dbSNP rs2544156361, ClinGen allele CA493043065.
Genomic context (GRCh38, chr16:2,081,675, plus strand): 5'-AGCCTGGAGAACCCGCTCAGCCCTTTCTCCTCGGACATCAACAACATGCCCCTGCAGGAG[C>T]TGTCTAACGCCCTCATGGCGGCTGAGCGCTTCAAGGAGCACCGGGACACAGCCCTGTACA-3'
Protein context (NP_000539.2, residues 1221-1241): SDINNMPLQE[Leu1231=]SNALMAAERF